The following is an entry in ClinVar:

ClinVar aggregate classification (germline): Uncertain significance (1 of 4 stars; one submission).

Allele frequency attached by ClinVar (database versions not stated): gnomAD exomes below 0.00001.
gnomAD v4.1: 4 of 1,613,682 alleles (0.00025%); highest among the groups gnomAD compares: Non-Finnish European, 0.00034%; no homozygotes.

Submission:

GeneDx
Classification: Uncertain significance. Last evaluated: 2021-02-19. Review status: criteria provided, single submitter. Criteria: GeneDx Variant Classification Process June 2021. Collection method: clinical testing. Allele origin: germline. Affected: yes.
Comment: Not observed in large population cohorts (Lek et al., 2016); In silico analysis supports that this missense variant does not alter protein structure/function; Has not been previously published as pathogenic or benign to our knowledge

NM_022124.6(CDH23):c.9604G>A (p.Gly3202Ser)

Gene: CDH23 (cadherin related 23; plus strand). Cytogenetic location: 10q22.1.
Variant type: single nucleotide variant.
Coding change: c.9604G>A on transcript NM_022124.6 (MANE Select); coding-DNA position 9604, G replaced by A.
Protein change: p.Gly3202Ser; replaces glycine 3202 with serine.
Molecular consequence: missense variant.
Genome position (GRCh38, 1-based): chr10:71,812,861, G>A. VCF-style: chr10-71812861-G-A. GRCh37 (hg19) VCF-style: chr10-73572618-G-A.
Other names: c.2884G>A, p.Gly962Ser (NM_001171933.1, NM_001171934.1); c.295G>A, p.Gly99Ser (NM_001171935.1, NM_001171936.1); short protein forms G3202S, G962S, G99S.
Identifiers: ClinVar variation 1303680 (VCV001303680.2), dbSNP rs2133008277, ClinGen allele CA377137125.
Genomic context (GRCh38, chr10:71,812,861, plus strand): 5'-CCTGATGATGACCGATACCTGCGGGCTGCCATCCAGGAGTATGACAACATTGCCAAGCTG[G>A]GCCAGATCATTCGTGAGGGGCCAATCAAGGTGAGCCTTCCCTGCAGGCTCCGCGCCCAGT-3'
Protein context (NP_071407.4, residues 3192-3212): IQEYDNIAKL[Gly3202Ser]QIIREGPIKG